The following is an entry in ClinVar:

NM_000053.4(ATP7B):c.2512A>G (p.Lys838Glu)

Gene: ATP7B (ATPase copper transporting beta; minus strand). Cytogenetic location: 13q14.3.
Variant type: single nucleotide variant.
Coding change: c.2512A>G on transcript NM_000053.4 (MANE Select); coding-DNA position 2512, A replaced by G.
Protein change: p.Lys838Glu; replaces lysine 838 with glutamic acid.
Molecular consequence: missense variant.
Genome position (GRCh38, 1-based): chr13:51,950,335, T>C on the plus strand (A>G on the coding strand, the complement: ATP7B is on the minus strand). VCF-style: chr13-51950335-T-C. GRCh37 (hg19) VCF-style: chr13-52524471-T-C.
Other names: c.2026A>G, p.Lys676Glu (NM_001005918.3); c.2179A>G, p.Lys727Glu (NM_001243182.2); c.2278A>G, p.Lys760Glu (NM_001330578.2); c.2260A>G, p.Lys754Glu (NM_001330579.2); short protein forms K760E, K838E, K676E, K727E, K754E.
Identifiers: ClinVar variation 860738 (VCV000860738.10), dbSNP rs748113748, ClinGen allele CA6988985.

ClinVar aggregate classification (germline): Conflicting classifications of pathogenicity. Review status: criteria provided, conflicting classifications (1 of 4 stars). 6 submissions from 6 submitters: Pathogenic (1); Likely pathogenic (2); Uncertain significance (3). Last evaluated 2026-06-29.

Conditions:
ATP7B-related disorder. Also called: ATP7B-related condition.
Wilson disease (WND). Also called: Wilson's disease. Identifiers: Orphanet 905, MedGen C0019202, MONDO:0010200, OMIM 277900. Disease mechanism: loss of function.

Allele frequency attached by ClinVar (database versions not stated): ExAC 0.00001; gnomAD 0.00001; gnomAD exomes 0.00001 and 0.00002; TOPMed 0.00001.
gnomAD v4.1: 7 of 1,613,996 alleles (0.00043%); highest among the groups gnomAD compares: Admixed American, 0.012%; no homozygotes.

Submissions (6):

PreventionGenetics, part of Exact Sciences
Classification: Uncertain significance for ATP7B-related condition. Last evaluated: 2026-06-29. Review status: criteria provided, single submitter. Criteria: ACMG Guidelines, 2015. Collection method: clinical testing. Allele origin: germline.
Comment: The ATP7B c.2512A>G variant is predicted to result in the amino acid substitution p.Lys838Glu. This variant was reported in an individual with Wilson disease (Couchonnal et al. 2021. PubMed ID: 34400371) and it was also observed internally in an individual with Wilson disease by one submitter to ClinVar; this variant is assessed in ClinVar in range from uncertain to pathogenic (Variation ID: 860738 ). This variant is reported in 0.017% of alleles in individuals of Latino descent in gnomAD. Although we suspect that this variant may be pathogenic, at this time, the clinical significance of this variant is uncertain due to the absence of conclusive functional and genetic evidence.

Labcorp Genetics (formerly Invitae), Labcorp
Classification: Pathogenic for Wilson disease. Last evaluated: 2026-01-04. Review status: criteria provided, single submitter. Criteria: Invitae Variant Classification Sherloc (09022015). Collection method: clinical testing. Allele origin: germline.
Comment: This sequence change replaces lysine, which is basic and polar, with glutamic acid, which is acidic and polar, at codon 838 of the ATP7B protein (p.Lys838Glu). This variant is present in population databases (rs748113748, gnomAD 0.02%). This missense change has been observed in individual(s) with clinical features of Wilson disease (PMID: 34400371; internal data). In at least one individual the data is consistent with being in trans (on the opposite chromosome) from a pathogenic variant. ClinVar contains an entry for this variant (Variation ID: 860738). Invitae Evidence Modeling of protein sequence and biophysical properties (such as structural, functional, and spatial information, amino acid conservation, physicochemical variation, residue mobility, and thermodynamic stability) has been performed for this missense variant. However, the output from this modeling did not meet the statistical confidence thresholds required to predict the impact of this variant on ATP7B protein function. For these reasons, this variant has been classified as Pathogenic.

Natera, Inc.
Classification: Likely pathogenic for Wilson disease. Last evaluated: 2025-12-01. Review status: criteria provided, single submitter. Criteria: Natera Variant Classification Schema (03/2026). Collection method: clinical testing. Allele origin: germline.
Comment: The c.2512A>G variant in ATP7B is a missense variant predicted to cause substitution of lysine to glutamic acid at amino acid 838. This variant is rare in the general population with a frequency below the threshold expected for the associated phenotype(s). This variant has been observed in one or more individuals affected with the associated recessive disease, as either homozygous or compound heterozygous with a second variant (PMID: 34400371). A different variant at the same position has been determined to be Pathogenic or Likely Pathogenic. Computational prediction algorithms indicate this variant is likely to affect gene or protein function. Given the available evidence, this variant is classified as Likely Pathogenic.

GeneDx
Classification: Uncertain significance. Last evaluated: 2024-07-26. Review status: criteria provided, single submitter. Criteria: GeneDx Variant Classification Process June 2021. Collection method: clinical testing. Allele origin: germline. Affected: yes.
Comment: In silico analysis supports that this missense variant has a deleterious effect on protein structure/function; Reported with a second variant in ATP7B in a patient with Wilson disease (Couchonnal et al., 2021) (PMID: 34400371); This variant is associated with the following publications: (PMID: 34400371)

Fulgent Genetics
Classification: Likely pathogenic for Wilson disease. Last evaluated: 2024-05-16. Review status: criteria provided, single submitter. Criteria: ACMG Guidelines, 2015. Collection method: clinical testing. Allele origin: germline.

Revvity Omics, Revvity
Classification: Uncertain significance for Wilson disease. Last evaluated: 2024-01-19. Review status: criteria provided, single submitter. Criteria: ACMG Guidelines, 2015. Collection method: clinical testing. Allele origin: germline.

Literature cited by the submitters: PubMed 34400371 (cited by Labcorp Genetics (formerly Invitae), Labcorp and Natera, Inc.).